The following is an entry in ClinVar:

NM_020778.5(ALPK3):c.2564G>A (p.Cys855Tyr)

Gene: ALPK3 (alpha kinase 3; plus strand). Cytogenetic location: 15q25.3.
Variant type: single nucleotide variant.
Coding change: c.2564G>A on transcript NM_020778.5 (MANE Select); coding-DNA position 2564, G replaced by A.
Protein change: p.Cys855Tyr; replaces cysteine 855 with tyrosine.
Molecular consequence: missense variant.
Genome position (GRCh38, 1-based): chr15:84,857,302, G>A. VCF-style: chr15-84857302-G-A. GRCh37 (hg19) VCF-style: chr15-85400533-G-A.
Other names: c.3170G>A (NM_020778.4); short protein forms C855Y.
Identifiers: ClinVar variation 1921747 (VCV001921747.6), dbSNP rs766916550, ClinGen allele CA7709448.

ClinVar aggregate classification (germline): Uncertain significance. Review status: criteria provided, multiple submitters, no conflicts (2 of 4 stars). 2 submissions from 2 submitters: Uncertain significance (2). Last evaluated 2026-01-26.

Conditions:
Cardiovascular phenotype. Identifiers: MedGen CN230736.

Allele frequency attached by ClinVar (database versions not stated): gnomAD exomes below 0.00001; ExAC 0.00001.

Submissions (2):

Labcorp Genetics (formerly Invitae), Labcorp
Classification: Uncertain significance. Last evaluated: 2026-01-26. Review status: criteria provided, single submitter. Criteria: Invitae Variant Classification Sherloc (09022015). Collection method: clinical testing. Allele origin: germline.
Comment: This sequence change replaces cysteine, which is neutral and slightly polar, with tyrosine, which is neutral and polar, at codon 1057 of the ALPK3 protein (p.Cys1057Tyr). This variant is present in population databases (rs766916550, gnomAD 0.02%). This variant has not been reported in the literature in individuals affected with ALPK3-related conditions. ClinVar contains an entry for this variant (Variation ID: 1921747). Invitae Evidence Modeling of protein sequence and biophysical properties (such as structural, functional, and spatial information, amino acid conservation, physicochemical variation, residue mobility, and thermodynamic stability) indicates that this missense variant is not expected to disrupt ALPK3 protein function with a negative predictive value of 80%. In summary, the available evidence is currently insufficient to determine the role of this variant in disease. Therefore, it has been classified as a Variant of Uncertain Significance.

Ambry Genetics
Classification: Uncertain significance for Cardiovascular phenotype. Last evaluated: 2025-02-05. Review status: criteria provided, single submitter. Criteria: Ambry Variant Classification Scheme 2023. Collection method: clinical testing. Allele origin: germline.